The following is an entry in ClinVar:

ClinVar aggregate classification (germline): Uncertain significance. Review status: criteria provided, multiple submitters, no conflicts (2 of 4 stars). 3 submissions from 3 submitters: Uncertain significance (3). Last evaluated 2024-04-05.

Conditions:
Hereditary cancer-predisposing syndrome. Also called: Neoplastic Syndromes, Hereditary; Tumor predisposition; Hereditary Cancer Syndrome; Hereditary neoplastic syndrome. Identifiers: Orphanet 140162, MedGen C0027672, MeSH D009386, MONDO:0015356.
Familial cancer of breast. Also called: BREAST CANCER, FAMILIAL; Hereditary breast cancer; hereditary breast carcinoma. Identifiers: Orphanet 227535, MedGen C0346153, MONDO:0016419, OMIM 114480. Disease mechanism: loss of function.

Allele frequency attached by ClinVar (database versions not stated): gnomAD exomes below 0.00001.
gnomAD v4.1: 4 of 1,613,780 alleles (0.00025%); highest among the groups gnomAD compares: Non-Finnish European, 0.00034%; no homozygotes.

Submissions (3):

Labcorp Genetics (formerly Invitae), Labcorp
Classification: Uncertain significance for Familial cancer of breast. Last evaluated: 2024-04-05. Review status: criteria provided, single submitter. Criteria: Invitae Variant Classification Sherloc (09022015). Collection method: clinical testing. Allele origin: germline.
Comment: This sequence change replaces proline, which is neutral and non-polar, with serine, which is neutral and polar, at codon 104 of the PALB2 protein (p.Pro104Ser). This variant is not present in population databases (gnomAD no frequency). This variant has not been reported in the literature in individuals affected with PALB2-related conditions. ClinVar contains an entry for this variant (Variation ID: 920668). Algorithms developed to predict the effect of missense changes on protein structure and function output the following: SIFT: "Not Available"; PolyPhen-2: "Benign"; Align-GVGD: "Not Available". The serine amino acid residue is found in multiple mammalian species, which suggests that this missense change does not adversely affect protein function. In summary, the available evidence is currently insufficient to determine the role of this variant in disease. Therefore, it has been classified as a Variant of Uncertain Significance.

Ambry Genetics
Classification: Uncertain significance for Hereditary cancer-predisposing syndrome. Last evaluated: 2023-06-14. Review status: criteria provided, single submitter. Criteria: Ambry Variant Classification Scheme 2023. Collection method: clinical testing. Allele origin: germline.
Comment: The p.P104S variant (also known as c.310C>T), located in coding exon 4 of the PALB2 gene, results from a C to T substitution at nucleotide position 310. The proline at codon 104 is replaced by serine, an amino acid with similar properties. This amino acid position is not well conserved in available vertebrate species. In addition, this alteration is predicted to be tolerated by in silico analysis. Since supporting evidence is limited at this time, the clinical significance of this alteration remains unclear.

Color Diagnostics, LLC DBA Color Health
Classification: Uncertain significance for Hereditary cancer-predisposing syndrome. Last evaluated: 2020-02-18. Review status: criteria provided, single submitter. Criteria: ACMG Guidelines, 2015. Collection method: clinical testing. Allele origin: germline.
Comment: This missense variant replaces proline with serine at codon 104 of the PALB2 protein. Computational prediction suggests that this variant may not impact protein structure and function (internally defined REVEL score threshold <= 0.5, PMID: 27666373). Splice site prediction tools suggest that this variant may not impact RNA splicing. To our knowledge, functional studies have not been performed for this variant. This variant has not been reported in individuals affected with hereditary cancer in the literature. This variant has not been identified in the general population by the Genome Aggregation Database (gnomAD). The available evidence is insufficient to determine the role of this variant in disease conclusively. Therefore, this variant is classified as a Variant of Uncertain Significance.

NM_024675.4(PALB2):c.310C>T (p.Pro104Ser)

Gene: PALB2 (partner and localizer of BRCA2; minus strand). Cytogenetic location: 16p12.2.
Variant type: single nucleotide variant.
Coding change: c.310C>T on transcript NM_024675.4 (MANE Select); coding-DNA position 310, C replaced by T.
Protein change: p.Pro104Ser; replaces proline 104 with serine.
Molecular consequence: missense variant.
Genome position (GRCh38, 1-based): chr16:23,636,236, G>A on the plus strand (C>T on the coding strand, the complement: PALB2 is on the minus strand). VCF-style: chr16-23636236-G-A. GRCh37 (hg19) VCF-style: chr16-23647557-G-A.
Other names: short protein forms P104S.
Identifiers: ClinVar variation 920668 (VCV000920668.12), dbSNP rs1967055763, ClinGen allele CA395138784.